The following is an entry in ClinVar:

ClinVar aggregate classification (germline): Pathogenic (1 of 4 stars; one submission).

Conditions:
Polyglandular autoimmune syndrome, type 1 (APS1). Also called: Whitaker syndrome; Autoimmune polyendocrinopathy syndrome, type I; Autoimmune polyendocrine syndrome type 1; AUTOIMMUNE POLYENDOCRINE SYNDROME, TYPE I, WITH OR WITHOUT REVERSIBLE METAPHYSEAL DYSPLASIA; APS I; HYPOADRENOCORTICISM WITH HYPOPARATHYROIDISM AND SUPERFICIAL MONILIASIS. Identifiers: Orphanet 3453, MedGen C0085859, MONDO:0009411, OMIM 240300.

Submission:

Myriad Genetics, Inc.
Classification: Pathogenic for Polyglandular autoimmune syndrome, type 1. Last evaluated: 2023-09-27. Review status: criteria provided, single submitter. Criteria: Myriad Autosomal Dominant, Autosomal Recessive and X-Linked Classification Criteria (2023). Collection method: clinical testing. Allele origin: unknown.
Comment: NM_000383.3(AIRE):c.169dupC(Q57Pfs*160) is expected to be pathogenic in the context of autoimmune polyglandular syndrome type 1. This variant is predicted to lead to an abnormal or absent protein product due to the creation of a premature termination codon in AIRE, a gene where loss-of-function variants are known to be pathogenic. Please note: this variant was assessed in the context of healthy population screening.

NM_000383.4(AIRE):c.169dup (p.Gln57fs)

Gene: AIRE (autoimmune regulator; plus strand). Cytogenetic location: 21q22.3.
Variant type: Duplication.
Coding change: c.169dup on transcript NM_000383.4 (MANE Select); coding-DNA position 169, one base duplicated (C; older notation c.169dupC).
Protein change: p.Gln57fs; shifts the reading frame from glutamine 57.
Molecular consequence: frameshift variant.
Genome position (GRCh38, 1-based): chr21:44,286,593, C duplicated; the last of 5 consecutive C bases (chr21:44,286,589-44,286,593); duplicating any one gives the same sequence. VCF-style (leftmost placement, unchanged base first): chr21-44286588-G-GC. GRCh37 (hg19) VCF-style: chr21-45706471-G-GC.
Other names: short protein forms Q57fs.
Identifiers: ClinVar variation 5012138 (VCV005012138.1).
Genomic context (GRCh38, chr21:44,286,588, plus strand): 5'-GCAGGGACCCTCATGCCACCCCACTGCAGGAGACGCTTCATCTGAAGGAAAAGGAGGGCT[G>GC]CCCCCAGGCCTTCCACGCCCTCCTGTCCTGGCTGCTGACCCAGGACTCCACAGCCATCCT-3'